The following is an entry in ClinVar:

NM_017654.4(SAMD9):c.3988G>T (p.Glu1330Ter)

Gene: SAMD9 (sterile alpha motif domain containing 9; minus strand). Cytogenetic location: 7q21.2.
Variant type: single nucleotide variant.
Coding change: c.3988G>T on transcript NM_017654.4 (MANE Select); coding-DNA position 3988, G replaced by T.
Protein change: p.Glu1330Ter; replaces glutamic acid 1330 with a stop codon.
Molecular consequence: nonsense.
Genome position (GRCh38, 1-based): chr7:93,102,110, C>A on the plus strand (G>T on the coding strand, the complement: SAMD9 is on the minus strand). VCF-style: chr7-93102110-C-A. GRCh37 (hg19) VCF-style: chr7-92731423-C-A.
Other names: c.3988G>T, p.Glu1330Ter (NM_001193307.2); short protein forms E1330*.
Identifiers: ClinVar variation 2889659 (VCV002889659.3), dbSNP rs2116413321, ClinGen allele CA368181367.

ClinVar aggregate classification (germline): Uncertain significance (1 of 4 stars; one submission).

Submission:

Labcorp Genetics (formerly Invitae), Labcorp
Classification: Uncertain significance. Last evaluated: 2023-09-11. Review status: criteria provided, single submitter. Criteria: Invitae Variant Classification Sherloc (09022015). Collection method: clinical testing. Allele origin: germline.
Comment: This sequence change creates a premature translational stop signal (p.Glu1330*) in the SAMD9 gene. While this is not anticipated to result in nonsense mediated decay, it is expected to disrupt the last 260 amino acid(s) of the SAMD9 protein. In summary, the available evidence is currently insufficient to determine the role of this variant in disease. Therefore, it has been classified as a Variant of Uncertain Significance. This variant has not been reported in the literature in individuals affected with SAMD9-related conditions. This variant is not present in population databases (gnomAD no frequency).